The following is an entry in ClinVar:

ClinVar aggregate classification (germline): Uncertain significance. Review status: criteria provided, multiple submitters, no conflicts (2 of 4 stars). 3 submissions from 3 submitters: Uncertain significance (3). Last evaluated 2025-04-03.

Conditions:
Hereditary cancer-predisposing syndrome. Also called: Neoplastic Syndromes, Hereditary; Tumor predisposition; Hereditary Cancer Syndrome; Hereditary neoplastic syndrome. Identifiers: Orphanet 140162, MedGen C0027672, MeSH D009386, MONDO:0015356.
Ataxia-telangiectasia syndrome (AT). Also called: ATAXIA-TELANGIECTASIA, COMPLEMENTATION GROUP A; ATAXIA-TELANGIECTASIA, FRESNO VARIANT; Ataxia-telangiectasia; Ataxia-telangiectasia, complementation group D; AT, COMPLEMENTATION GROUP C; Ataxia-telangiectasia, complementation group E. Identifiers: Orphanet 100, MedGen C0004135, MONDO:0008840, OMIM 208900.

Allele frequency attached by ClinVar (database versions not stated): gnomAD exomes 0.00001.
gnomAD v4.1: 4 of 1,613,886 alleles (0.00025%); highest among the groups gnomAD compares: Non-Finnish European, 0.00034%; no homozygotes.

Submissions (3):

Labcorp Genetics (formerly Invitae), Labcorp
Classification: Uncertain significance for Ataxia-telangiectasia syndrome. Last evaluated: 2025-04-03. Review status: criteria provided, single submitter. Criteria: Invitae Variant Classification Sherloc (09022015). Collection method: clinical testing. Allele origin: germline.
Comment: This sequence change replaces proline, which is neutral and non-polar, with arginine, which is basic and polar, at codon 1843 of the ATM protein (p.Pro1843Arg). This variant is present in population databases (no rsID available, gnomAD 0.0009%). This variant has not been reported in the literature in individuals affected with ATM-related conditions. ClinVar contains an entry for this variant (Variation ID: 524312). Invitae Evidence Modeling of protein sequence and biophysical properties (such as structural, functional, and spatial information, amino acid conservation, physicochemical variation, residue mobility, and thermodynamic stability) indicates that this missense variant is expected to disrupt ATM protein function with a positive predictive value of 95%. In summary, the available evidence is currently insufficient to determine the role of this variant in disease. Therefore, it has been classified as a Variant of Uncertain Significance.

Color Diagnostics, LLC DBA Color Health
Classification: Uncertain significance for Hereditary cancer-predisposing syndrome. Last evaluated: 2024-09-30. Review status: criteria provided, single submitter. Criteria: ACMG Guidelines, 2015. Collection method: clinical testing. Allele origin: germline.
Comment: This missense variant replaces proline with arginine at codon 1843 of the ATM protein. Computational prediction suggests that this variant may have deleterious impact on protein structure and function. To our knowledge, functional studies have not been reported for this variant. This variant has not been reported in individuals affected with ATM-related disorders in the literature. This variant has been identified in 1/250958 chromosomes in the general population by the Genome Aggregation Database (gnomAD). The available evidence is insufficient to determine the role of this variant in disease conclusively. Therefore, this variant is classified as a Variant of Uncertain Significance.

Ambry Genetics
Classification: Uncertain significance for Hereditary cancer-predisposing syndrome. Last evaluated: 2024-03-13. Review status: criteria provided, single submitter. Criteria: Ambry Variant Classification Scheme 2023. Collection method: clinical testing. Allele origin: germline.
Comment: The p.P1843R variant (also known as c.5528C>G), located in coding exon 36 of the ATM gene, results from a C to G substitution at nucleotide position 5528. The proline at codon 1843 is replaced by arginine, an amino acid with dissimilar properties. This amino acid position is conserved. In addition, this alteration is predicted to be deleterious by in silico analysis. Since supporting evidence is limited at this time, the clinical significance of this alteration remains unclear.

NM_000051.4(ATM):c.5528C>G (p.Pro1843Arg)

Gene: ATM (ATM serine/threonine kinase; plus strand). Cytogenetic location: 11q22.3.
Variant type: single nucleotide variant.
Coding change: c.5528C>G on transcript NM_000051.4 (MANE Select); coding-DNA position 5528, C replaced by G.
Protein change: p.Pro1843Arg; replaces proline 1843 with arginine.
Molecular consequence: missense variant.
Genome position (GRCh38, 1-based): chr11:108,304,706, C>G. VCF-style: chr11-108304706-C-G. GRCh37 (hg19) VCF-style: chr11-108175433-C-G.
Other names: c.5528C>G, p.Pro1843Arg (NM_001351834.2); short protein forms P1843R.
Identifiers: ClinVar variation 524312 (VCV000524312.11), dbSNP rs764522350, ClinGen allele CA382545845.